The following is an entry in ClinVar:

NM_001267550.2(TTN):c.55515C>T (p.Asp18505=)

Genes: TTN-AS1 (TTN antisense RNA 1; plus strand), TTN (titin; minus strand). Cytogenetic location: 2q31.2.
Variant type: single nucleotide variant.
Coding change: c.55515C>T on transcript NM_001267550.2 (MANE Select); coding-DNA position 55515, C replaced by T.
Protein change: p.Asp18505=; no amino-acid change (aspartic acid 18505 retained).
Molecular consequence: synonymous variant.
Genome position (GRCh38, 1-based): chr2:178,601,482, G>A on the plus strand (C>T on the coding strand, the complement: TTN is on the minus strand). VCF-style: chr2-178601482-G-A. GRCh37 (hg19) VCF-style: chr2-179466209-G-A.
Other names: c.50592C>T, p.Asp16864= (NM_001256850.1); c.28320C>T, p.Asp9440= (NM_003319.4); c.47811C>T, p.Asp15937= (NM_133378.4); c.28695C>T, p.Asp9565= (NM_133432.3); c.28896C>T, p.Asp9632= (NM_133437.4).
Identifiers: ClinVar variation 1159837 (VCV001159837.13), dbSNP rs141323535, ClinGen allele CA1993439.

ClinVar aggregate classification (germline): Likely benign. Review status: criteria provided, multiple submitters, no conflicts (2 of 4 stars). 4 submissions from 4 submitters: Likely benign (4). Last evaluated 2025-12-16.

Conditions:
Cardiovascular phenotype. Identifiers: MedGen CN230736.
TTN-related disorder. Also called: TTN-related disorders; TTN-related condition; TTN-related disease.
Dilated cardiomyopathy 1G (CMD1G). Identifiers: Orphanet 154, MedGen C1858763, MONDO:0011400, OMIM 604145.
Autosomal recessive limb-girdle muscular dystrophy type 2J (LGMDR10). Also called: Limb-girdle muscular dystrophy, type 2J; MUSCULAR DYSTROPHY, LIMB-GIRDLE, AUTOSOMAL RECESSIVE 10. Identifiers: Orphanet 140922, MedGen C1837342, MONDO:0012127, OMIM 608807.

Allele frequency attached by ClinVar (database versions not stated): TOPMed 0.00001; gnomAD exomes 0.00002 and 0.00003; gnomAD 0.00003 and 0.00001; ExAC 0.00007; 1000 Genomes Project 0.00040; 1000 Genomes Project 30x 0.00062.
gnomAD v4.1: 32 of 1,612,882 alleles (0.002%); highest among the groups gnomAD compares: African/African-American, 0.02%; no homozygotes.

Submissions (4):

Labcorp Genetics (formerly Invitae), Labcorp
Classification: Likely benign for Dilated cardiomyopathy 1G; Autosomal recessive limb-girdle muscular dystrophy type 2J. Last evaluated: 2025-12-16. Review status: criteria provided, single submitter. Criteria: Invitae Variant Classification Sherloc (09022015). Collection method: clinical testing. Allele origin: germline.

PreventionGenetics, part of Exact Sciences
Classification: Likely benign for TTN-related condition. Last evaluated: 2025-10-29. Review status: criteria provided, single submitter. Criteria: ACMG Guidelines, 2015. Collection method: clinical testing. Allele origin: germline.
Comment: This variant is classified as likely benign based on ACMG/AMP sequence variant interpretation guidelines (Richards et al. 2015 PMID: 25741868, with internal and published modifications).

Ambry Genetics
Classification: Likely benign for Cardiovascular phenotype. Last evaluated: 2023-03-31. Review status: criteria provided, single submitter. Criteria: Ambry Variant Classification Scheme 2023. Collection method: clinical testing. Allele origin: germline.

GeneDx
Classification: Likely benign. Last evaluated: 2020-02-26. Review status: criteria provided, single submitter. Criteria: GeneDx Variant Classification Process June 2021. Collection method: clinical testing. Allele origin: germline. Affected: yes.